The following is an entry in ClinVar:

NM_172240.3(POC1B):c.865G>A (p.Gly289Ser)

Genes: POC1B (POC1 centriolar protein B; minus strand), POC1B-DUSP6 (POC1B-DUSP6 readthrough; minus strand). Cytogenetic location: 12q21.33.
Variant type: single nucleotide variant.
Coding change: c.865G>A on transcript NM_172240.3 (MANE Select); coding-DNA position 865, G replaced by A.
Protein change: p.Gly289Ser; replaces glycine 289 with serine.
Molecular consequence: missense variant. On other transcripts: non-coding transcript variant (2).
Genome position (GRCh38, 1-based): chr12:89,467,631, C>T on the plus strand (G>A on the coding strand, the complement: POC1B is on the minus strand). VCF-style: chr12-89467631-C-T. GRCh37 (hg19) VCF-style: chr12-89861408-C-T.
Other names: c.739G>A, p.Gly247Ser (NM_001199777.2); short protein forms G247S, G289S.
Identifiers: ClinVar variation 1916517 (VCV001916517.5), dbSNP rs902745803, ClinGen allele CA241199790.

ClinVar aggregate classification (germline): Uncertain significance (1 of 4 stars; one submission).

Allele frequency attached by ClinVar (database versions not stated): gnomAD exomes 0.00001; gnomAD 0.00002; TOPMed 0.00002.
gnomAD v4.1: 17 of 1,611,310 alleles (0.0011%); highest among the groups gnomAD compares: Non-Finnish European, 0.0014%; no homozygotes.

Submission:

Labcorp Genetics (formerly Invitae), Labcorp
Classification: Uncertain significance. Last evaluated: 2022-02-27. Review status: criteria provided, single submitter. Criteria: Invitae Variant Classification Sherloc (09022015). Collection method: clinical testing. Allele origin: germline.
Comment: In summary, the available evidence is currently insufficient to determine the role of this variant in disease. Therefore, it has been classified as a Variant of Uncertain Significance. Algorithms developed to predict the effect of missense changes on protein structure and function are either unavailable or do not agree on the potential impact of this missense change (SIFT: "Deleterious"; PolyPhen-2: "Probably Damaging"; Align-GVGD: "Class C0"). This variant has not been reported in the literature in individuals affected with POC1B-related conditions. This variant is present in population databases (no rsID available, gnomAD 0.0009%). This sequence change replaces glycine, which is neutral and non-polar, with serine, which is neutral and polar, at codon 289 of the POC1B protein (p.Gly289Ser).